The following is an entry in ClinVar:

ClinVar aggregate classification (germline): Uncertain significance. Review status: criteria provided, multiple submitters, no conflicts (2 of 4 stars). 2 submissions from 2 submitters: Uncertain significance (2). Last evaluated 2024-07-23.

Submissions (2):

Labcorp Genetics (formerly Invitae), Labcorp
Classification: Uncertain significance. Last evaluated: 2024-07-23. Review status: criteria provided, single submitter. Criteria: Invitae Variant Classification Sherloc (09022015). Collection method: clinical testing. Allele origin: germline.
Comment: This sequence change replaces arginine, which is basic and polar, with glutamine, which is neutral and polar, at codon 34 of the NFE2L2 protein (p.Arg34Gln). This variant is not present in population databases (gnomAD no frequency). This variant has not been reported in the literature in individuals affected with NFE2L2-related conditions. An algorithm developed to predict the effect of missense changes on protein structure and function (PolyPhen-2) suggests that this variant is likely to be disruptive. In summary, the available evidence is currently insufficient to determine the role of this variant in disease. Therefore, it has been classified as a Variant of Uncertain Significance.

GeneDx
Classification: Uncertain significance. Last evaluated: 2023-07-07. Review status: criteria provided, single submitter. Criteria: GeneDx Variant Classification Process June 2021. Collection method: clinical testing. Allele origin: germline. Affected: yes.
Comment: Not observed at significant frequency in large population cohorts (gnomAD); In silico analysis supports that this missense variant has a deleterious effect on protein structure/function; Has not been previously published as pathogenic or benign to our knowledge

NM_006164.5(NFE2L2):c.101G>A (p.Arg34Gln)

Gene: NFE2L2 (NFE2 like bZIP transcription factor 2; minus strand). Cytogenetic location: 2q31.2.
Variant type: single nucleotide variant.
Coding change: c.101G>A on transcript NM_006164.5 (MANE Select); coding-DNA position 101, G replaced by A.
Protein change: p.Arg34Gln; replaces arginine 34 with glutamine.
Molecular consequence: missense variant. On other transcripts: 5 prime UTR variant (1), intron variant (1).
Genome position (GRCh38, 1-based): chr2:177,234,216, C>T on the plus strand (G>A on the coding strand, the complement: NFE2L2 is on the minus strand). VCF-style: chr2-177234216-C-T. GRCh37 (hg19) VCF-style: chr2-178098944-C-T.
Other names: c.53G>A, p.Arg18Gln (NM_001145412.3, NM_001145413.3, NM_001313900.1 and 1 more transcripts); c.101G>A, p.Arg34Gln (NM_001313902.2); c.-129G>A (NM_001313904.1); c.93+8G>A (NM_001313903.2); short protein forms R18Q, R34Q.
Identifiers: ClinVar variation 3360940 (VCV003360940.3).